The following is an entry in ClinVar:

NM_032737.4(LMNB2):c.1603G>A (p.Gly535Ser)

Gene: LMNB2 (lamin B2; minus strand). Cytogenetic location: 19p13.3.
Variant type: single nucleotide variant.
Coding change: c.1603G>A on transcript NM_032737.4 (MANE Select); coding-DNA position 1603, G replaced by A.
Protein change: p.Gly535Ser; replaces glycine 535 with serine.
Molecular consequence: missense variant.
Genome position (GRCh38, 1-based): chr19:2,431,890, C>T on the plus strand (G>A on the coding strand, the complement: LMNB2 is on the minus strand). VCF-style: chr19-2431890-C-T. GRCh37 (hg19) VCF-style: chr19-2431888-C-T.
Other names: short protein forms G535S.
Identifiers: ClinVar variation 2952675 (VCV002952675.3), dbSNP rs2512232641, ClinGen allele CA403249599.

ClinVar aggregate classification (germline): Uncertain significance (1 of 4 stars; one submission).

Conditions:
Lipodystrophy, partial, acquired, susceptibility to (APLD). Also called: APLD, SUSCEPTIBILITY TO. Identifiers: MedGen C3887501, MONDO:0100476, OMIM 608709.
Progressive myoclonic epilepsy type 9. Identifiers: Orphanet 457265, MedGen C4225289, MONDO:0014685, OMIM 616540.

Submission:

Labcorp Genetics (formerly Invitae), Labcorp
Classification: Uncertain significance for Progressive myoclonic epilepsy type 9; Lipodystrophy, partial, acquired, susceptibility to. Last evaluated: 2023-10-08. Review status: criteria provided, single submitter. Criteria: Invitae Variant Classification Sherloc (09022015). Collection method: clinical testing. Allele origin: germline.
Comment: This sequence change replaces glycine, which is neutral and non-polar, with serine, which is neutral and polar, at codon 535 of the LMNB2 protein (p.Gly535Ser). This variant is not present in population databases (gnomAD no frequency). This variant has not been reported in the literature in individuals affected with LMNB2-related conditions. Advanced modeling of protein sequence and biophysical properties (such as structural, functional, and spatial information, amino acid conservation, physicochemical variation, residue mobility, and thermodynamic stability) performed at Invitae indicates that this missense variant is not expected to disrupt LMNB2 protein function. In summary, the available evidence is currently insufficient to determine the role of this variant in disease. Therefore, it has been classified as a Variant of Uncertain Significance.